The following is an entry in ClinVar:

ClinVar aggregate classification (germline): Uncertain significance. Review status: criteria provided, multiple submitters, no conflicts (2 of 4 stars). 2 submissions from 2 submitters: Uncertain significance (2). Last evaluated 2025-05-25.

Allele frequency attached by ClinVar (database versions not stated): ExAC 0.00001; gnomAD exomes 0.00001.

Submissions (2):

Ambry Genetics
Classification: Uncertain significance. Last evaluated: 2025-05-25. Review status: criteria provided, single submitter. Criteria: Ambry Variant Classification Scheme 2023. Collection method: clinical testing. Allele origin: germline.

Labcorp Genetics (formerly Invitae), Labcorp
Classification: Uncertain significance. Last evaluated: 2022-02-10. Review status: criteria provided, single submitter. Criteria: Invitae Variant Classification Sherloc (09022015). Collection method: clinical testing. Allele origin: germline.
Comment: In summary, the available evidence is currently insufficient to determine the role of this variant in disease. Therefore, it has been classified as a Variant of Uncertain Significance. Algorithms developed to predict the effect of missense changes on protein structure and function (SIFT, PolyPhen-2, Align-GVGD) all suggest that this variant is likely to be disruptive. This variant has not been reported in the literature in individuals affected with ICOSLG-related conditions. This variant is present in population databases (rs749822218, gnomAD 0.006%). This sequence change replaces glutamine, which is neutral and polar, with lysine, which is basic and polar, at codon 185 of the ICOSLG protein (p.Gln185Lys).

NM_015259.6(ICOSLG):c.553C>A (p.Gln185Lys)

Gene: ICOSLG (inducible T cell costimulator ligand; minus strand). Cytogenetic location: 21q22.3.
Variant type: single nucleotide variant.
Coding change: c.553C>A on transcript NM_015259.6 (MANE Select); coding-DNA position 553, C replaced by A.
Protein change: p.Gln185Lys; replaces glutamine 185 with lysine.
Molecular consequence: missense variant.
Genome position (GRCh38, 1-based): chr21:44,235,416, G>T on the plus strand (C>A on the coding strand, the complement: ICOSLG is on the minus strand). VCF-style: chr21-44235416-G-T. GRCh37 (hg19) VCF-style: chr21-45655299-G-T.
Other names: c.553C>A (NM_015259.4); c.553C>A, p.Gln185Lys (NM_001283050.2); c.202C>A, p.Gln68Lys (NM_001283051.2); c.298C>A, p.Gln100Lys (NM_001283052.2); c.472C>A, p.Gln158Lys (NM_001365759.2); short protein forms Q100K, Q158K, Q68K, Q185K.
Identifiers: ClinVar variation 1481603 (VCV001481603.9), dbSNP rs749822218, ClinGen allele CA321497193.